The following is an entry in ClinVar:

NM_015450.3(POT1):c.1612C>T (p.Leu538Phe)

Gene: POT1 (protection of telomeres 1; minus strand). Cytogenetic location: 7q31.33.
Variant type: single nucleotide variant.
Coding change: c.1612C>T on transcript NM_015450.3 (MANE Select); coding-DNA position 1612, C replaced by T.
Protein change: p.Leu538Phe; replaces leucine 538 with phenylalanine.
Molecular consequence: missense variant. On other transcripts: non-coding transcript variant (3).
Genome position (GRCh38, 1-based): chr7:124,827,288, G>A on the plus strand (C>T on the coding strand, the complement: POT1 is on the minus strand). VCF-style: chr7-124827288-G-A. GRCh37 (hg19) VCF-style: chr7-124467342-G-A.
Other names: c.1219C>T, p.Leu407Phe (NM_001042594.2); short protein forms L407F, L538F.
Identifiers: ClinVar variation 3308988 (VCV003308988.3).
Genomic context (GRCh38, chr7:124,827,288, plus strand): 5'-AGGCTTCTAGTACTCCTGTTCCATCATCAAGTGTAAAGGTCATAACAAACACATATTGGA[G>A]GGGTACAATACCCAGTGCTAGTGAAGGAAAAAAAGATCAAACCATATGAGTCTGCTATTC-3'
Protein context (NP_056265.2, residues 528-548): SVAEALGIVP[Leu538Phe]QYVFVMTFTL

ClinVar aggregate classification (germline): Uncertain significance. Review status: criteria provided, multiple submitters, no conflicts (2 of 4 stars). 2 submissions from 2 submitters: Uncertain significance (2). Last evaluated 2025-06-27.

Conditions:
Hereditary cancer-predisposing syndrome. Also called: Neoplastic Syndromes, Hereditary; Hereditary Cancer Syndrome; Hereditary neoplastic syndrome; Tumor predisposition. Identifiers: Orphanet 140162, MedGen C0027672, MeSH D009386, MONDO:0015356.
Tumor predisposition syndrome 3 (TPDS3). Also called: Melanoma, cutaneous malignant, susceptibility to, 10; Glioma susceptibility 9; LONG TELOMERE SYNDROME, POT1-RELATED; POT1 Tumor Predisposition. Identifiers: Orphanet 618, MedGen C4014476, MONDO:0014368, OMIM 615848.

Submissions (2):

Labcorp Genetics (formerly Invitae), Labcorp
Classification: Uncertain significance for Tumor predisposition syndrome 3. Last evaluated: 2025-06-27. Review status: criteria provided, single submitter. Criteria: Invitae Variant Classification Sherloc (09022015). Collection method: clinical testing. Allele origin: germline.
Comment: This sequence change replaces leucine, which is neutral and non-polar, with phenylalanine, which is neutral and non-polar, at codon 538 of the POT1 protein (p.Leu538Phe). This variant is not present in population databases (gnomAD no frequency). This variant has not been reported in the literature in individuals affected with POT1-related conditions. ClinVar contains an entry for this variant (Variation ID: 3308988). Invitae Evidence Modeling of protein sequence and biophysical properties (such as structural, functional, and spatial information, amino acid conservation, physicochemical variation, residue mobility, and thermodynamic stability) indicates that this missense variant is not expected to disrupt POT1 protein function with a negative predictive value of 80%. In summary, the available evidence is currently insufficient to determine the role of this variant in disease. Therefore, it has been classified as a Variant of Uncertain Significance.

Ambry Genetics
Classification: Uncertain significance for Hereditary cancer-predisposing syndrome. Last evaluated: 2024-06-19. Review status: criteria provided, single submitter. Criteria: Ambry Variant Classification Scheme 2023. Collection method: clinical testing. Allele origin: germline.
Comment: The p.L538F variant (also known as c.1612C>T), located in coding exon 13 of the POT1 gene, results from a C to T substitution at nucleotide position 1612. The leucine at codon 538 is replaced by phenylalanine, an amino acid with highly similar properties. This amino acid position is conserved. In addition, the in silico prediction for this alteration is inconclusive. Based on the available evidence, the clinical significance of this variant remains unclear.